The following is an entry in ClinVar:

ClinVar aggregate classification (germline): Likely pathogenic (1 of 4 stars; one submission).

Conditions:
Short-rib thoracic dysplasia 10 with or without polydactyly (SRTD10). Identifiers: Orphanet 474, MedGen C3810175, MONDO:0014284, OMIM 615630.
Retinitis pigmentosa 71 (RP71). Identifiers: Orphanet 791, MedGen C4225342, MONDO:0014618, OMIM 616394.

Submission:

Labcorp Genetics (formerly Invitae), Labcorp
Classification: Likely pathogenic for Retinitis pigmentosa 71; Short-rib thoracic dysplasia 10 with or without polydactyly. Last evaluated: 2023-10-11. Review status: criteria provided, single submitter. Criteria: Invitae Variant Classification Sherloc (09022015). Collection method: clinical testing. Allele origin: unknown.
Comment: This variant results in the deletion of exons 19-26 and part of exon 27 (c.1938-1055_2901delinsG) of the IFT172 gene. It is expected to disrupt RNA splicing. Variants that disrupt the donor or acceptor splice site typically lead to a loss of protein function (PMID: 16199547), and loss-of-function variants in IFT172 are known to be pathogenic (PMID: 24140113). This variant has not been reported in the literature in individuals affected with IFT172-related conditions. This variant disrupts a region of the IFT172 protein in which other variant(s) (p.His719Tyr) have been observed in individuals with IFT172-related conditions (PMID: 32451492). This suggests that this is a clinically significant region of the protein, and that variants that disrupt it are likely to be disease-causing. In summary, the currently available evidence indicates that the variant is pathogenic, but additional data are needed to prove that conclusively. Therefore, this variant has been classified as Likely Pathogenic.

Literature cited by the submitters: PubMed 16199547; PubMed 24140113; PubMed 32451492.

NC_000002.11:g.(?_27681067)_(27687103_?)del

Gene: IFT172 (intraflagellar transport 172; minus strand). Cytogenetic location: 2p23.3.
Variant type: Deletion.
Identifiers: ClinVar variation 3247414 (VCV003247414.1).